The following is an entry in ClinVar:

ClinVar aggregate classification (germline): Uncertain significance (1 of 4 stars; one submission).

Allele frequency attached by ClinVar (database versions not stated): gnomAD 0.00011; ESP Exome Variant Server 0.00008; 1000 Genomes Project 0.00020; TOPMed 0.00008; gnomAD exomes 0.00015.
gnomAD v4.1: 224 of 1,613,548 alleles (0.014%); highest among the groups gnomAD compares: Non-Finnish European, 0.018%; no homozygotes.

Submission:

Labcorp Genetics (formerly Invitae), Labcorp
Classification: Uncertain significance. Last evaluated: 2023-07-16. Review status: criteria provided, single submitter. Criteria: Invitae Variant Classification Sherloc (09022015). Collection method: clinical testing. Allele origin: germline.
Comment: This variant is present in population databases (rs369843705, gnomAD 0.02%). In summary, the available evidence is currently insufficient to determine the role of this variant in disease. Therefore, it has been classified as a Variant of Uncertain Significance. An algorithm developed to predict the effect of missense changes on protein structure and function (PolyPhen-2) suggests that this variant is likely to be tolerated. This variant has not been reported in the literature in individuals affected with MACF1-related conditions. This sequence change replaces arginine, which is basic and polar, with tryptophan, which is neutral and slightly polar, at codon 18 of the MACF1 protein (p.Arg18Trp).

NC_000001.11:g.39084270C>T

Gene: MACF1 (microtubule actin crosslinking factor 1; plus strand). Cytogenetic location: 1p34.3.
Variant type: single nucleotide variant.
Molecular consequence: missense variant (on NM_012090.5).
Genome position: GRCh38 VCF-style: chr1-39084270-C-T. GRCh37 (hg19) VCF-style: chr1-39549942-C-T.
Other names: c.52C>T, p.Arg18Trp (NM_012090.5); short protein forms R18W.
Identifiers: ClinVar variation 3020176 (VCV003020176.3), dbSNP rs369843705, ClinGen allele CA779001.
Genomic context (GRCh38, chr1:39,084,270, plus strand): 5'-GCCTGGGCCATGTCTTCCTCAGATGAAGAGACGCTCAGTGAGCGGTCATGTCGGAGTGAG[C>T]GGTCTTGTCGGAGTGAGCGATCTTACAGGAGCGAGCGGTCGGGGAGCCTGTCTCCCTGTC-3'